The following is an entry in ClinVar:

NM_000391.4(TPP1):c.457T>C (p.Ser153Pro)

Gene: TPP1 (tripeptidyl peptidase 1; minus strand). Cytogenetic location: 11p15.4.
Variant type: single nucleotide variant.
Coding change: c.457T>C on transcript NM_000391.4 (MANE Select); coding-DNA position 457, T replaced by C.
Protein change: p.Ser153Pro; replaces serine 153 with proline.
Molecular consequence: missense variant.
Genome position (GRCh38, 1-based): chr11:6,617,352, A>G on the plus strand (T>C on the coding strand, the complement: TPP1 is on the minus strand). VCF-style: chr11-6617352-A-G. GRCh37 (hg19) VCF-style: chr11-6638583-A-G.
Other names: short protein forms S153P.
Identifiers: ClinVar variation 554257 (VCV000554257.3), dbSNP rs1554902028, ClinGen allele CA379475827.

ClinVar aggregate classification (germline): Uncertain significance. Review status: criteria provided, single submitter (1 of 4 stars). 2 submissions from 2 submitters: Uncertain significance (1). 1 of the submissions does not count toward it. Last evaluated 2022-02-09.

Conditions:
Neuronal ceroid lipofuscinosis 2. Also called: TPP1-Related Neuronal Ceroid-Lipofuscinosis; JANSKY-BIELSCHOWSKY DISEASE NEURONAL CEROID LIPOFUSCINOSIS, LATE INFANTILE. Identifiers: Orphanet 168491, Orphanet 228349, Orphanet 79264, MedGen C1876161, MONDO:0008769, OMIM 204500.

Allele frequency attached by ClinVar (database versions not stated): gnomAD exomes below 0.00001.
gnomAD v4.1: 2 of 1,614,014 alleles (0.00012%); highest among the groups gnomAD compares: Non-Finnish European, 0.00017%; no homozygotes.

Submissions (2):

Women's Health and Genetics/Laboratory Corporation of America, LabCorp
Classification: Uncertain significance. Last evaluated: 2022-02-09. Review status: criteria provided, single submitter. Criteria: LabCorp Variant Classification Summary - May 2015. Collection method: clinical testing. Allele origin: germline.
Comment: Variant summary: TPP1 c.457T>C (p.Ser153Pro) results in a non-conservative amino acid change located in the Peptidase S53, activation domain (IPR015366) of the encoded protein sequence. Four of five in-silico tools predict a damaging effect of the variant on protein function. The variant was absent in 251460 control chromosomes (gnomAD). The available data on variant occurrences in the general population are insufficient to allow any conclusion about variant significance. c.457T>C has been reported in the literature in one French family affected with Neuronal Ceroid-Lipofuscinosis (Batten Disease) (example: Mole_2001, Gardner_2019). These data do not allow any conclusion about variant significance. One publication reports structural evidence evaluating an impact on protein structure, suggesting it disturbs normal processing of the TPP1 precursor protein (Pal_2009). One ClinVar submitter has assessed the variant since 2014: the variant was classified as of uncertain significance. Based on the evidence outlined above, the variant was classified as uncertain significance.

Counsyl
Classification: Uncertain significance for Neuronal ceroid lipofuscinosis 2. Last evaluated: 2017-10-12. Review status: no assertion criteria provided. Collection method: clinical testing. Allele origin: unknown. Not counted in ClinVar's aggregate classification.

Literature cited by the submitters: PubMed 11589012 (cited by Women's Health and Genetics/Laboratory Corporation of America, LabCorp); PubMed 19038966 (cited by Women's Health and Genetics/Laboratory Corporation of America, LabCorp); PubMed 31283065 (cited by Women's Health and Genetics/Laboratory Corporation of America, LabCorp).